The following is an entry in ClinVar:

ClinVar aggregate classification (germline): Uncertain significance (1 of 4 stars; one submission).

Conditions:
Renal cell carcinoma. Identifiers: Orphanet 217071, MedGen C0007134, MeSH D002292, MONDO:0005086, HP:0005584.

Submission:

Labcorp Genetics (formerly Invitae), Labcorp
Classification: Uncertain significance for Renal cell carcinoma. Last evaluated: 2025-04-07. Review status: criteria provided, single submitter. Criteria: Invitae Variant Classification Sherloc (09022015). Collection method: clinical testing. Allele origin: germline.
Comment: This sequence change creates a premature translational stop signal (p.Leu768Tyrfs*11) in the MET gene. It is expected to result in an absent or disrupted protein product. However, the current clinical and genetic evidence is not sufficient to establish whether loss-of-function variants in MET cause disease. This variant is present in population databases (rs761305394, gnomAD 0.0009%). This variant has not been reported in the literature in individuals affected with MET-related conditions. ClinVar contains an entry for this variant (Variation ID: 1450021). Experimental studies and prediction algorithms are not available or were not evaluated, and the functional significance of this variant is currently unknown. In summary, the available evidence is currently insufficient to determine the role of this variant in disease. Therefore, it has been classified as a Variant of Uncertain Significance.

NM_000245.4(MET):c.2265-18del

Gene: MET (MET proto-oncogene, receptor tyrosine kinase; plus strand). Cytogenetic location: 7q31.2.
Variant type: Deletion.
Coding change: c.2265-18del on transcript NM_000245.4 (MANE Select); 18 bases into the intron before coding-DNA position 2265, one base deleted (T; older notation c.2265-18delT).
Molecular consequence: intron variant. On other transcripts: frameshift variant (1).
Genome position (GRCh38, 1-based): chr7:116,759,373, T deleted; the last of 4 consecutive T bases (chr7:116,759,370-116,759,373); deleting any one gives the same sequence. VCF-style (leftmost placement, unchanged base first): chr7-116759369-GT-G. GRCh37 (hg19) VCF-style: chr7-116399423-GT-G.
Other names: c.2301del, p.Leu768fs (NM_001127500.3); c.975-18del (NM_001324402.2); c.2265-18del (NM_001324401.3); short protein forms L768fs.
Identifiers: ClinVar variation 1450021 (VCV001450021.7), dbSNP rs761305394, ClinGen allele CA4448446.